The following is an entry in ClinVar:

ClinVar aggregate classification (germline): Pathogenic (1 of 4 stars; one submission).

Conditions:
Tuberous sclerosis 1 (TSC1). Identifiers: Orphanet 805, MedGen C1854465, MONDO:0008612, OMIM 191100.

Submission:

Labcorp Genetics (formerly Invitae), Labcorp
Classification: Pathogenic for Tuberous sclerosis 1. Last evaluated: 2025-03-31. Review status: criteria provided, single submitter. Criteria: Invitae Variant Classification Sherloc (09022015). Collection method: clinical testing. Allele origin: germline.
Comment: This sequence change creates a premature translational stop signal (p.Phe188Serfs*23) in the TSC1 gene. It is expected to result in an absent or disrupted protein product. Loss-of-function variants in TSC1 are known to be pathogenic (PMID: 10227394, 17304050). This variant is not present in population databases (gnomAD no frequency). This variant has not been reported in the literature in individuals affected with TSC1-related conditions. For these reasons, this variant has been classified as Pathogenic.

Literature cited by the submitters: PubMed 10227394; PubMed 17304050.

NM_000368.5(TSC1):c.561_562dup (p.Phe188fs)

Gene: TSC1 (TSC complex subunit 1; minus strand). Cytogenetic location: 9q34.13.
Variant type: Microsatellite.
Coding change: c.561_562dup on transcript NM_000368.5 (MANE Select); coding-DNA positions 561 to 562, 2 bases duplicated (CT; older notation c.561_562dupCT).
Protein change: p.Phe188fs; shifts the reading frame from phenylalanine 188.
Molecular consequence: frameshift variant.
Genome position (GRCh38, 1-based): chr9:132,921,920-132,921,921, AG duplicated on the plus strand (CT on the coding strand, the reverse complement: TSC1 is on the minus strand); duplicating any 2 consecutive bases within chr9:132,921,920-132,921,923 gives the same sequence; the c. name uses the placement nearest the transcript's 3' end. VCF-style (leftmost placement, unchanged base first): chr9-132921919-A-AAG. GRCh37 (hg19) VCF-style: chr9-135797306-A-AAG.
Other names: c.561_562dup, p.Phe188fs (NM_001162426.2); c.408_409dup, p.Phe137fs (NM_001162427.2); c.198_199dup, p.Phe67fs (NM_001362177.2); short protein forms F137fs, F188fs, F67fs.
Identifiers: ClinVar variation 1069584 (VCV001069584.7), dbSNP rs2132157980, ClinGen allele CA2580617125.